The following is an entry in ClinVar:

NM_000264.5(PTCH1):c.3139del (p.Leu1047fs)

Gene: PTCH1 (patched 1; minus strand). Cytogenetic location: 9q22.32.
Variant type: Deletion.
Coding change: c.3139del on transcript NM_000264.5 (MANE Select); coding-DNA position 3139, one base deleted (C; older notation c.3139delC).
Protein change: p.Leu1047fs; shifts the reading frame from leucine 1047.
Molecular consequence: frameshift variant. On other transcripts: non-coding transcript variant (1).
Genome position (GRCh38, 1-based): chr9:95,458,042, G deleted on the plus strand (C on the coding strand, the reverse complement: PTCH1 is on the minus strand); the first of 2 consecutive G bases (chr9:95,458,042-95,458,043); deleting either gives the same sequence. VCF-style (leftmost placement, unchanged base first): chr9-95458041-AG-A. GRCh37 (hg19) VCF-style: chr9-98220323-AG-A.
Other names: c.2941del, p.Leu981fs (NM_001083602.3); c.3136del, p.Leu1046fs (NM_001083603.3); c.2686del, p.Leu896fs (NM_001083604.3, NM_001083605.3, NM_001083606.3 and 1 more transcripts); c.2983del, p.Leu995fs (NM_001354918.2); short protein forms L1046fs, L1047fs, L896fs, L981fs, L995fs.
Identifiers: ClinVar variation 1072436 (VCV001072436.9), dbSNP rs2136659959, ClinGen allele CA2499220029.

ClinVar aggregate classification (germline): Pathogenic (1 of 4 stars; one submission).

Conditions:
Gorlin syndrome. Also called: Nevoid Basal Cell Carcinoma Syndrome; Basal cell nevus syndrome. Identifiers: Orphanet 377, MedGen C0004779, MONDO:0007187.

Submission:

Labcorp Genetics (formerly Invitae), Labcorp
Classification: Pathogenic for Gorlin syndrome. Last evaluated: 2021-07-22. Review status: criteria provided, single submitter. Criteria: Invitae Variant Classification Sherloc (09022015). Collection method: clinical testing. Allele origin: germline.
Comment: This sequence change creates a premature translational stop signal (p.Leu1047Phefs*2) in the PTCH1 gene. It is expected to result in an absent or disrupted protein product. This variant is not present in population databases (ExAC no frequency). This variant has been observed in individual(s) with basal cell nevus syndrome (PMID: 29575684). Loss-of-function variants in PTCH1 are known to be pathogenic (PMID: 16301862, 16419085). For these reasons, this variant has been classified as Pathogenic.

Literature cited by the submitters: PubMed 29575684; PubMed 16301862; PubMed 16419085.